The following is an entry in ClinVar:

NM_000301.5(PLG):c.1290T>A (p.Asp430Glu)

Gene: PLG (plasminogen; plus strand). Cytogenetic location: 6q26.
Variant type: single nucleotide variant.
Coding change: c.1290T>A on transcript NM_000301.5 (MANE Select); coding-DNA position 1290, T replaced by A.
Protein change: p.Asp430Glu; replaces aspartic acid 430 with glutamic acid.
Molecular consequence: missense variant.
Genome position (GRCh38, 1-based): chr6:160,731,084, T>A. VCF-style: chr6-160731084-T-A. GRCh37 (hg19) VCF-style: chr6-161152116-T-A.
Other names: short protein forms D430E.
Identifiers: ClinVar variation 2899211 (VCV002899211.4), dbSNP rs901543025, ClinGen allele CA151227033.

ClinVar aggregate classification (germline): Uncertain significance. Review status: criteria provided, multiple submitters, no conflicts (2 of 4 stars). 2 submissions from 2 submitters: Uncertain significance (2). Last evaluated 2025-12-09.

Conditions:
Inborn genetic diseases. Identifiers: MedGen C0950123, MeSH D030342.

Allele frequency attached by ClinVar (database versions not stated): TOPMed 0.00004; gnomAD exomes 0.00002; gnomAD 0.00003.
gnomAD v4.1: 29 of 1,613,968 alleles (0.0018%); highest among the groups gnomAD compares: Non-Finnish European, 0.0023%; no homozygotes.

Submissions (2):

Labcorp Genetics (formerly Invitae), Labcorp
Classification: Uncertain significance. Last evaluated: 2025-12-09. Review status: criteria provided, single submitter. Criteria: Invitae Variant Classification Sherloc (09022015). Collection method: clinical testing. Allele origin: germline.
Comment: This sequence change replaces aspartic acid, which is acidic and polar, with glutamic acid, which is acidic and polar, at codon 430 of the PLG protein (p.Asp430Glu). This variant is present in population databases (no rsID available, gnomAD 0.002%). This variant has not been reported in the literature in individuals affected with PLG-related conditions. ClinVar contains an entry for this variant (Variation ID: 2899211). Invitae Evidence Modeling of protein sequence and biophysical properties (such as structural, functional, and spatial information, amino acid conservation, physicochemical variation, residue mobility, and thermodynamic stability) indicates that this missense variant is not expected to disrupt PLG protein function with a negative predictive value of 80%. In summary, the available evidence is currently insufficient to determine the role of this variant in disease. Therefore, it has been classified as a Variant of Uncertain Significance.

Ambry Genetics
Classification: Uncertain significance for Inborn genetic diseases. Last evaluated: 2024-01-03. Review status: criteria provided, single submitter. Criteria: Ambry Variant Classification Scheme 2023. Collection method: clinical testing. Allele origin: germline.